The following is an entry in ClinVar:

ClinVar aggregate classification (germline): Conflicting classifications of pathogenicity. Review status: criteria provided, conflicting classifications (1 of 4 stars). 3 submissions from 3 submitters: Uncertain significance (2); Likely benign (1). Last evaluated 2024-02-02.

Conditions:
Hereditary cancer-predisposing syndrome. Also called: Tumor predisposition; Hereditary neoplastic syndrome; Neoplastic Syndromes, Hereditary; Hereditary Cancer Syndrome. Identifiers: Orphanet 140162, MedGen C0027672, MeSH D009386, MONDO:0015356.
Hereditary breast ovarian cancer syndrome. Also called: Hereditary breast and ovarian cancer; Hereditary breast and/or ovarian cancer syndrome; Hereditary breast and ovarian cancer syndrome; Hereditary breast and ovarian cancer syndrome (HBOC); Breast and ovarian cancer; BRCA1- and BRCA2-Associated Hereditary Breast and Ovarian Cancer. Identifiers: Orphanet 145, MedGen C0677776, MeSH D061325, MONDO:0003582. Disease mechanism: loss of function.

Submissions (3):

Ambry Genetics
Classification: Uncertain significance for Hereditary cancer-predisposing syndrome. Last evaluated: 2024-02-02. Review status: criteria provided, single submitter. Criteria: Ambry Variant Classification Scheme 2023. Collection method: clinical testing. Allele origin: germline.
Comment: The p.V487I variant (also known as c.1459G>A), located in coding exon 9 of the BRCA1 gene, results from a G to A substitution at nucleotide position 1459. The valine at codon 487 is replaced by isoleucine, an amino acid with highly similar properties. This amino acid position is conserved. In addition, the in silico prediction for this alteration is inconclusive. Based on the available evidence, the clinical significance of this alteration remains unclear.

University of Washington Department of Laboratory Medicine, University of Washington
Classification: Likely benign for Hereditary cancer-predisposing syndrome. Last evaluated: 2023-03-23. Review status: criteria provided, single submitter. Criteria: Dines et al. (Genet Med. 2020). Collection method: curation. Allele origin: germline.
Comment: Missense variant in a coldspot region where missense variants are very unlikely to be pathogenic (PMID:31911673).

BRCA1 coldspot (exon 11 using historical exon numbering). Reclassification based on statistical prior probability

Labcorp Genetics (formerly Invitae), Labcorp
Classification: Uncertain significance for Hereditary breast ovarian cancer syndrome. Last evaluated: 2021-12-30. Review status: criteria provided, single submitter. Criteria: Invitae Variant Classification Sherloc (09022015). Collection method: clinical testing. Allele origin: germline.
Comment: This sequence change replaces valine, which is neutral and non-polar, with isoleucine, which is neutral and non-polar, at codon 487 of the BRCA1 protein (p.Val487Ile). In summary, the available evidence is currently insufficient to determine the role of this variant in disease. Therefore, it has been classified as a Variant of Uncertain Significance. Advanced modeling of protein sequence and biophysical properties (such as structural, functional, and spatial information, amino acid conservation, physicochemical variation, residue mobility, and thermodynamic stability) performed at Invitae indicates that this missense variant is not expected to disrupt BRCA1 protein function. This variant has not been reported in the literature in individuals affected with BRCA1-related conditions. This variant is not present in population databases (gnomAD no frequency).

NM_007294.4(BRCA1):c.1459G>A (p.Val487Ile)

Gene: BRCA1 (BRCA1 DNA repair associated; minus strand). Cytogenetic location: 17q21.31.
Variant type: single nucleotide variant.
Coding change: c.1459G>A on transcript NM_007294.4 (MANE Select); coding-DNA position 1459, G replaced by A.
Protein change: p.Val487Ile; replaces valine 487 with isoleucine.
Molecular consequence: missense variant. On other transcripts: intron variant (137).
Genome position (GRCh38, 1-based): chr17:43,094,072, C>T on the plus strand (G>A on the coding strand, the complement: BRCA1 is on the minus strand). VCF-style: chr17-43094072-C-T. GRCh37 (hg19) VCF-style: chr17-41246089-C-T.
Other names: c.1246G>A, p.Val416Ile (NM_001407915.1, NM_001407916.1, NM_001407917.1 and 9 more transcripts); c.1336G>A, p.Val446Ile (NM_001407919.1, NM_001407937.1, NM_001407938.1 and 19 more transcripts); c.1195G>A, p.Val399Ile (NM_001407920.1, NM_001407921.1, NM_001407922.1 and 9 more transcripts); c.1192G>A, p.Val398Ile (NM_001407930.1, NM_001407931.1, NM_001407932.1 and 2 more transcripts); c.1333G>A, p.Val445Ile (NM_001407940.1, NM_001407941.1, NM_001407649.1 and 11 more transcripts); c.1318G>A, p.Val440Ile (NM_001407942.1, NM_001407944.1, NM_001407945.1 and 29 more transcripts); c.1315G>A, p.Val439Ile (NM_001407943.1, NM_001407964.1, NM_001407740.1 and 20 more transcripts); c.1126G>A, p.Val376Ile (NM_001407946.1, NM_001407947.1, NM_001407948.1 and 6 more transcripts); and 40 more; short protein forms V191I, V376I, V398I, V399I, V419I, V439I, V486I, V487I.
Identifiers: ClinVar variation 2064438 (VCV002064438.7), dbSNP rs369588942, ClinGen allele CA10599127.